The following is an entry in ClinVar:

NM_015978.3(TNNI3K):c.1169A>G (p.Tyr390Cys)

Genes: FPGT-TNNI3K (FPGT-TNNI3K readthrough; plus strand), TNNI3K (TNNI3 interacting kinase; plus strand). Cytogenetic location: 1p31.1.
Variant type: single nucleotide variant.
Coding change: c.1169A>G on transcript NM_015978.3 (MANE Select); coding-DNA position 1169, A replaced by G.
Protein change: p.Tyr390Cys; replaces tyrosine 390 with cysteine.
Molecular consequence: missense variant.
Genome position (GRCh38, 1-based): chr1:74,354,121, A>G. VCF-style: chr1-74354121-A-G. GRCh37 (hg19) VCF-style: chr1-74819805-A-G.
Other names: c.1472A>G, p.Tyr491Cys (NM_001112808.3, NM_001199327.2); short protein forms Y390C, Y491C.
Identifiers: ClinVar variation 2714402 (VCV002714402.3), dbSNP rs762701312, ClinGen allele CA909170.

ClinVar aggregate classification (germline): Uncertain significance (1 of 4 stars; one submission).

Allele frequency attached by ClinVar (database versions not stated): ExAC 0.00001.
gnomAD v4.1: 2 of 1,613,942 alleles (0.00012%); highest among the groups gnomAD compares: African/African-American, 0.0027%; no homozygotes.

Submission:

Labcorp Genetics (formerly Invitae), Labcorp
Classification: Uncertain significance. Last evaluated: 2025-12-16. Review status: criteria provided, single submitter. Criteria: Invitae Variant Classification Sherloc (09022015). Collection method: clinical testing. Allele origin: germline.
Comment: This sequence change replaces tyrosine, which is neutral and polar, with cysteine, which is neutral and slightly polar, at codon 390 of the TNNI3K protein (p.Tyr390Cys). This variant is present in population databases (rs762701312, gnomAD 0.007%). This variant has not been reported in the literature in individuals affected with TNNI3K-related conditions. ClinVar contains an entry for this variant (Variation ID: 2714402). Invitae Evidence Modeling of protein sequence and biophysical properties (such as structural, functional, and spatial information, amino acid conservation, physicochemical variation, residue mobility, and thermodynamic stability) has been performed for this missense variant. However, the output from this modeling did not meet the statistical confidence thresholds required to predict the impact of this variant on TNNI3K protein function. In summary, the available evidence is currently insufficient to determine the role of this variant in disease. Therefore, it has been classified as a Variant of Uncertain Significance.